The following is an entry in ClinVar:

ClinVar aggregate classification (germline): Uncertain significance (1 of 4 stars; one submission).

gnomAD v4.1: 7 of 1,609,162 alleles (0.00044%); highest among the groups gnomAD compares: Non-Finnish European, 0.00042%; no homozygotes.

Submission:

Labcorp Genetics (formerly Invitae), Labcorp
Classification: Uncertain significance. Last evaluated: 2026-01-17. Review status: criteria provided, single submitter. Criteria: Invitae Variant Classification Sherloc (09022015). Collection method: clinical testing. Allele origin: germline.
Comment: This sequence change replaces glycine, which is neutral and non-polar, with serine, which is neutral and polar, at codon 1200 of the FLNB protein (p.Gly1200Ser). This variant is not present in population databases (gnomAD no frequency). This variant has not been reported in the literature in individuals affected with FLNB-related conditions. Invitae Evidence Modeling of protein sequence and biophysical properties (such as structural, functional, and spatial information, amino acid conservation, physicochemical variation, residue mobility, and thermodynamic stability) indicates that this missense variant is not expected to disrupt FLNB protein function with a negative predictive value of 80%. In summary, the available evidence is currently insufficient to determine the role of this variant in disease. Therefore, it has been classified as a Variant of Uncertain Significance.

NM_001457.4(FLNB):c.3598G>A (p.Gly1200Ser)

Gene: FLNB (filamin B; plus strand). Cytogenetic location: 3p14.3.
Variant type: single nucleotide variant.
Coding change: c.3598G>A on transcript NM_001457.4 (MANE Select); coding-DNA position 3598, G replaced by A.
Protein change: p.Gly1200Ser; replaces glycine 1200 with serine.
Molecular consequence: missense variant.
Genome position (GRCh38, 1-based): chr3:58,123,564, G>A. VCF-style: chr3-58123564-G-A. GRCh37 (hg19) VCF-style: chr3-58109291-G-A.
Other names: c.3598G>A, p.Gly1200Ser (NM_001164317.2, NM_001164318.2, NM_001164319.2); short protein forms G1200S.
Identifiers: ClinVar variation 4773954 (VCV004773954.1).
Genomic context (GRCh38, chr3:58,123,564, plus strand): 5'-GTCAGTATTCAGAACAACAAAGATGGCACCTACGCGGTGACCTACGTGCCCCTGACGGCC[G>A]GCATGTACACGTTGACCATGAAGTATGGTGGCGAACTCGTGCCACACTTCCCCGCCCGGG-3'
Protein context (NP_001448.2, residues 1190-1210): YAVTYVPLTA[Gly1200Ser]MYTLTMKYGG